The following is an entry in ClinVar:

ClinVar aggregate classification (germline): Likely benign (1 of 4 stars; one submission).

Conditions:
UGT1A1-related disorder. Also called: UGT1A1-related condition; UGT1A1-related disorders.

gnomAD v4.1: 1 of 1,614,076 alleles (0.000062%); highest among the groups gnomAD compares: East Asian, 0.0022%; no homozygotes.

Submission:

PreventionGenetics, part of Exact Sciences
Classification: Likely benign for UGT1A1-related condition. Last evaluated: 2026-03-26. Review status: criteria provided, single submitter. Criteria: ACMG Guidelines, 2015. Collection method: clinical testing. Allele origin: germline.
Comment: This variant is classified as likely benign based on ACMG/AMP sequence variant interpretation guidelines (Richards et al. 2015 PMID: 25741868, with internal and published modifications).

NM_000463.3(UGT1A1):c.1209C>T (p.Arg403=)

Genes: UGT1A (UDP glucuronosyltransferase family 1 member A complex locus; plus strand), UGT1A1 (UDP glucuronosyltransferase family 1 member A1; plus strand), UGT1A10 (UDP glucuronosyltransferase family 1 member A10; plus strand), UGT1A3 (UDP glucuronosyltransferase family 1 member A3; plus strand), UGT1A4 (UDP glucuronosyltransferase family 1 member A4; plus strand) and 5 more. Cytogenetic location: 2q37.1.
Variant type: single nucleotide variant.
Coding change: c.1209C>T on transcript NM_000463.3 (MANE Select); coding-DNA position 1209, C replaced by T.
Protein change: p.Arg403=; no amino-acid change (arginine 403 retained).
Molecular consequence: synonymous variant.
Genome position (GRCh38, 1-based): chr2:233,768,344, C>T. VCF-style: chr2-233768344-C-T. GRCh37 (hg19) VCF-style: chr2-234676990-C-T.
Other names: c.1200C>T, p.Arg400= (NM_019075.4, NM_019076.5, NM_019077.3 and 1 more transcripts); c.1206C>T, p.Arg402= (NM_001072.4); c.405C>T, p.Arg135= (NM_205862.3); c.1212C>T, p.Arg404= (NM_019078.2, NM_007120.3, NM_019093.4).
Identifiers: ClinVar variation 4994760 (VCV004994760.1).
Genomic context (GRCh38, chr2:233,768,344, plus strand): 5'-CAATGGCGTTCCCATGGTGATGATGCCCTTGTTTGGTGATCAGATGGACAATGCAAAGCG[C>T]ATGGAGACTAAGGGAGCTGGAGTGACCCTGAATGTTCTGGAAATGACTTCTGAAGATTTA-3'
Protein context (NP_000454.1, residues 393-413): LFGDQMDNAK[Arg403=]METKGAGVTL